The following is an entry in ClinVar:

NM_001374736.1(DST):c.23194+5G>A

Gene: DST (dystonin; minus strand). Cytogenetic location: 6p12.1.
Variant type: single nucleotide variant.
Coding change: c.23194+5G>A on transcript NM_001374736.1 (MANE Select); 5 bases into the intron after coding-DNA position 23194, G replaced by A.
Molecular consequence: intron variant.
Genome position (GRCh38, 1-based): chr6:56,460,126, C>T on the plus strand (G>A on the coding strand, the complement: DST is on the minus strand). VCF-style: chr6-56460126-C-T. GRCh37 (hg19) VCF-style: chr6-56324924-C-T.
Other names: c.16765+5G>A (NM_001144769.5); c.23122+5G>A (NM_001374722.1); c.23149+5G>A (NM_001374734.1); c.16351+5G>A (NM_001144770.2); c.15865+5G>A (NM_001374730.1); c.16213+5G>A (NM_001386100.1); c.16231+5G>A (NM_183380.4); c.22123+5G>A (NM_001374729.1); and 1 more.
Identifiers: ClinVar variation 2133995 (VCV002133995.4), dbSNP rs1383084433, ClinGen allele CA567374191.
Genomic context (GRCh38, chr6:56,460,126, plus strand): 5'-GGGACTTTAATCCTCAGATGACCATGCTGCAAAAGCCATTGAAAAAAGAAAGGCACCACA[C>T]TCACCAGCAAACTGTGTTCGGACTCTGGCAGCTGCAGTTGTTATCAAGCCACTGTCCTCC-3'

ClinVar aggregate classification (germline): Uncertain significance (1 of 4 stars; one submission).

Conditions:
Hereditary sensory and autonomic neuropathy type 6. Also called: Neuropathy, hereditary sensory and autonomic, type VI; HSAN VI. Identifiers: Orphanet 314381, MedGen C3539003, MONDO:0013839, OMIM 614653.
Epidermolysis bullosa simplex 3, localized or generalized intermediate, with BP230 deficiency (EBS3). Also called: Epidermolysis bullosa simplex due to BP230 deficiency; Epidermolysis bullosa simplex, autosomal recessive 2. Identifiers: Orphanet 412181, MedGen C3809470, MONDO:0014180, OMIM 615425.

Submission:

Labcorp Genetics (formerly Invitae), Labcorp
Classification: Uncertain significance for Epidermolysis bullosa simplex 3, localized or generalized intermediate, with BP230 deficiency; Hereditary sensory and autonomic neuropathy type 6. Last evaluated: 2022-06-09. Review status: criteria provided, single submitter. Criteria: Invitae Variant Classification Sherloc (09022015). Collection method: clinical testing. Allele origin: germline.
Comment: In summary, the available evidence is currently insufficient to determine the role of this variant in disease. Therefore, it has been classified as a Variant of Uncertain Significance. Variants that disrupt the consensus splice site are a relatively common cause of aberrant splicing (PMID: 17576681, 9536098). This variant has not been reported in the literature in individuals affected with DST-related conditions. This variant is present in population databases (no rsID available, gnomAD 0.0009%). This sequence change falls in intron 83 of the DST gene. It does not directly change the encoded amino acid sequence of the DST protein. It affects a nucleotide within the consensus splice site. The DST gene has multiple clinically relevant transcripts. This variant occurs in alternate transcript NM_015548.4, and corresponds to NM_001723.5:c.*155391G>A in the primary transcript.

Literature cited by the submitters: PubMed 17576681; PubMed 9536098.